The following is an entry in ClinVar:

ClinVar aggregate classification (germline): Uncertain significance (1 of 4 stars; one submission).

gnomAD v4.1: 2 of 1,210,335 alleles (0.00017%); highest among the groups gnomAD compares: African/African-American, 0.0035%; no homozygotes.

Submission:

Women's Health and Genetics/Laboratory Corporation of America, LabCorp
Classification: Uncertain significance. Last evaluated: 2024-05-09. Review status: criteria provided, single submitter. Criteria: LabCorp Variant Classification Summary - May 2015. Collection method: clinical testing. Allele origin: germline.
Comment: Variant summary: ATP6AP2 c.295G>A (p.Glu99Lys) results in a conservative amino acid change in the encoded protein sequence. Three of five in-silico tools predict a benign effect of the variant on protein function. The variant was absent in 183279 control chromosomes. The available data on variant occurrences in the general population are insufficient to allow any conclusion about variant significance. To our knowledge, no occurrence of c.295G>A in individuals affected with Syndromic X-Linked Intellectual Disability Hedera Type and no experimental evidence demonstrating its impact on protein function have been reported. No submitters have cited clinical-significance assessments for this variant to ClinVar. Based on the evidence outlined above, the variant was classified as uncertain significance.

NM_005765.3(ATP6AP2):c.295G>A (p.Glu99Lys)

Gene: ATP6AP2 (ATPase H+ transporting accessory protein 2; plus strand). Cytogenetic location: Xp11.4.
Variant type: single nucleotide variant.
Coding change: c.295G>A on transcript NM_005765.3 (MANE Select); coding-DNA position 295, G replaced by A.
Protein change: p.Glu99Lys; replaces glutamic acid 99 with lysine.
Molecular consequence: missense variant.
Genome position (GRCh38, 1-based): chrX:40,591,360, G>A. VCF-style: chrX-40591360-G-A. GRCh37 (hg19) VCF-style: chrX-40450612-G-A.
Other names: short protein forms E99K.
Identifiers: ClinVar variation 3336070 (VCV003336070.1).
Genomic context (GRCh38, chrX:40,591,360, plus strand): 5'-ATGGTGAAGGGAGTGAACAAACTGGCTCTACCCCCAGGCAGTGTCATTTCGTACCCTTTG[G>A]AGAATGTGAGTATTTATTATAAAAAATTAAAGGGATGCATTTTACATTTTCCCTTGTCAG-3'
Protein context (NP_005756.2, residues 89-109): PPGSVISYPL[Glu99Lys]NAVPFSLDSV